The following is an entry in ClinVar:

NM_001394998.1(TANC2):c.2425A>C (p.Thr809Pro)

Gene: TANC2 (tetratricopeptide repeat, ankyrin repeat and coiled-coil containing 2; plus strand). Cytogenetic location: 17q23.3.
Variant type: single nucleotide variant.
Coding change: c.2425A>C on transcript NM_001394998.1 (MANE Select); coding-DNA position 2425, A replaced by C.
Protein change: p.Thr809Pro; replaces threonine 809 with proline.
Molecular consequence: missense variant.
Genome position (GRCh38, 1-based): chr17:63,355,233, A>C. VCF-style: chr17-63355233-A-C. GRCh37 (hg19) VCF-style: chr17-61432594-A-C.
Other names: c.2203A>C, p.Thr735Pro (NM_001411076.1, NM_025185.4); short protein forms T735P, T809P.
Identifiers: ClinVar variation 2648055 (VCV002648055.24), dbSNP rs2046745726, ClinGen allele CA400525090.

ClinVar aggregate classification (germline): Uncertain significance (1 of 4 stars; one submission).

Submission:

CeGaT Center for Human Genetics Tuebingen
Classification: Uncertain significance. Last evaluated: 2022-04-01. Review status: criteria provided, single submitter. Criteria: CeGaT Center For Human Genetics Tuebingen Variant Classification Criteria Version 2. Collection method: clinical testing. Allele origin: germline. Affected: yes. Observed: 1 variant allele.
Comment: TANC2: PM2